The following is an entry in ClinVar:

ClinVar aggregate classification (germline): Conflicting classifications of pathogenicity. Review status: criteria provided, conflicting classifications (1 of 4 stars). 3 submissions from 3 submitters: Uncertain significance (1); Likely benign (2). Last evaluated 2025-11-24.

Conditions:
Microcephaly-intellectual disability-sensorineural hearing loss-epilepsy-abnormal muscle tone syndrome (NEDHSB). Also called: NEURODEVELOPMENTAL DISORDER WITH HEARING LOSS, SEIZURES, AND BRAIN ABNORMALITIES. Identifiers: Orphanet 457351, MedGen C4225276, MONDO:0014698, OMIM 616577.
Inborn genetic diseases. Identifiers: MedGen C0950123, MeSH D030342.

Allele frequency attached by ClinVar (database versions not stated): ExAC 0.00001; gnomAD 0.00001; gnomAD exomes 0.00001; TOPMed 0.00001.
gnomAD v4.1: 15 of 1,614,100 alleles (0.00093%); highest among the groups gnomAD compares: South Asian, 0.0011%; no homozygotes.

Submissions (3):

Ambry Genetics
Classification: Likely benign for Inborn genetic diseases. Last evaluated: 2025-11-24. Review status: criteria provided, single submitter. Criteria: Ambry Variant Classification Scheme 2023. Collection method: clinical testing. Allele origin: germline.

Blueprint Genetics
Classification: Likely benign. Last evaluated: 2022-11-07. Review status: criteria provided, single submitter. Criteria: ACMG Guidelines, 2015. Collection method: clinical testing. Allele origin: germline.

Labcorp Genetics (formerly Invitae), Labcorp
Classification: Uncertain significance for Microcephaly-intellectual disability-sensorineural hearing loss-epilepsy-abnormal muscle tone syndrome. Last evaluated: 2021-09-01. Review status: criteria provided, single submitter. Criteria: Invitae Variant Classification Sherloc (09022015). Collection method: clinical testing. Allele origin: germline.
Comment: This sequence change replaces valine with isoleucine at codon 267 of the SPATA5 protein (p.Val267Ile). The valine residue is moderately conserved and there is a small physicochemical difference between valine and isoleucine. This variant is present in population databases (rs776146045, ExAC 0.001%). This variant has not been reported in the literature in individuals affected with SPATA5-related conditions. Algorithms developed to predict the effect of missense changes on protein structure and function output the following: SIFT: "Tolerated"; PolyPhen-2: "Benign"; Align-GVGD: "Class C0". The isoleucine amino acid residue is found in multiple mammalian species, which suggests that this missense change does not adversely affect protein function. In summary, the available evidence is currently insufficient to determine the role of this variant in disease. Therefore, it has been classified as a Variant of Uncertain Significance.

NM_145207.3(AFG2A):c.799G>A (p.Val267Ile)

Gene: AFG2A (AAA ATPase AFG2A; plus strand). Cytogenetic location: 4q28.1.
Variant type: single nucleotide variant.
Coding change: c.799G>A on transcript NM_145207.3 (MANE Select); coding-DNA position 799, G replaced by A.
Protein change: p.Val267Ile; replaces valine 267 with isoleucine.
Molecular consequence: missense variant.
Genome position (GRCh38, 1-based): chr4:122,934,390, G>A. VCF-style: chr4-122934390-G-A. GRCh37 (hg19) VCF-style: chr4-123855545-G-A.
Other names: c.796G>A, p.Val266Ile (NM_001317799.2, NM_001345856.2); short protein forms V266I, V267I.
Identifiers: ClinVar variation 933784 (VCV000933784.6), dbSNP rs776146045, ClinGen allele CA3070323.